The following is an entry in ClinVar:

NM_001114753.3(ENG):c.1630del (p.Thr544fs)

Genes: ENG (endoglin; minus strand), LOC102723566 (uncharacterized LOC102723566; plus strand). Cytogenetic location: 9q34.11.
Variant type: Deletion.
Coding change: c.1630del on transcript NM_001114753.3 (MANE Select); coding-DNA position 1630, one base deleted (A; older notation c.1630delA).
Protein change: p.Thr544fs; shifts the reading frame from threonine 544.
Molecular consequence: frameshift variant.
Genome position (GRCh38, 1-based): chr9:127,818,176, T deleted on the plus strand (A on the coding strand, the reverse complement: ENG is on the minus strand); the first of 4 consecutive T bases (chr9:127,818,176-127,818,179); deleting any one gives the same sequence. VCF-style (leftmost placement, unchanged base first): chr9-127818175-GT-G. GRCh37 (hg19) VCF-style: chr9-130580454-GT-G.
Other names: c.1630del, p.Thr544fs (NM_000118.4); c.1084del, p.Thr362fs (NM_001278138.2); short protein forms T362fs, T544fs.
Identifiers: ClinVar variation 4709698 (VCV004709698.1).

ClinVar aggregate classification (germline): Pathogenic (1 of 4 stars; one submission).

Conditions:
Hereditary hemorrhagic telangiectasia (HHT). Also called: ORW DISEASE; Osler Weber Rendu syndrome; OSLER-RENDU-WEBER DISEASE; Osler hemorrhagic telangiectasia syndrome. Identifiers: Orphanet 774, MedGen C0039445, MONDO:0019180. Disease mechanism: loss of function.

Submission:

Labcorp Genetics (formerly Invitae), Labcorp
Classification: Pathogenic for Hereditary hemorrhagic telangiectasia. Last evaluated: 2025-11-03. Review status: criteria provided, single submitter. Criteria: Invitae Variant Classification Sherloc (09022015). Collection method: clinical testing. Allele origin: germline.
Comment: This sequence change creates a premature translational stop signal (p.Thr544Profs*8) in the ENG gene. It is expected to result in an absent or disrupted protein product. Loss-of-function variants in ENG are known to be pathogenic (PMID: 15879500). This variant is not present in population databases (gnomAD no frequency). This premature translational stop signal has been observed in individual(s) with hereditary hemorrhagic telangiectasia (PMID: 15712271). For these reasons, this variant has been classified as Pathogenic.

Literature cited by the submitters: PubMed 15879500; PubMed 15712271.